The following is an entry in ClinVar:

ClinVar aggregate classification (germline): Likely pathogenic. Review status: criteria provided, multiple submitters, no conflicts (2 of 4 stars). 2 submissions from 2 submitters: Likely pathogenic (2). Last evaluated 2025-12-26.

Conditions:
Bardet-Biedl syndrome 4 (BBS4). Identifiers: Orphanet 110, MedGen C2936864, MONDO:0014433, OMIM 615982.
BBS4-related disorder. Also called: BBS4-related condition.

Submissions (2):

PreventionGenetics, part of Exact Sciences
Classification: Likely pathogenic for BBS4-related condition. Last evaluated: 2025-12-26. Review status: criteria provided, single submitter. Criteria: ACMG Guidelines, 2015. Collection method: clinical testing. Allele origin: germline.
Comment: The BBS4 c.101delA variant is predicted to result in a frameshift and premature protein termination (p.Lys34Serfs*5). To our knowledge, this variant has not been reported in the literature or in a large population database (gnomAD), indicating this variant is rare. Frameshift variants in BBS4 are expected to be pathogenic. This variant is interpreted as likely pathogenic.

Baylor Genetics
Classification: Likely pathogenic for Bardet-Biedl syndrome 4. Last evaluated: 2023-05-15. Review status: criteria provided, single submitter. Criteria: ACMG Guidelines, 2015. Collection method: clinical testing. Allele origin: unknown.

NM_033028.5(BBS4):c.101del (p.Lys34fs)

Gene: BBS4 (Bardet-Biedl syndrome 4; plus strand). Cytogenetic location: 15q24.1.
Variant type: Deletion.
Coding change: c.101del on transcript NM_033028.5 (MANE Select); coding-DNA position 101, one base deleted (A; older notation c.101delA).
Protein change: p.Lys34fs; shifts the reading frame from lysine 34.
Molecular consequence: frameshift variant. On other transcripts: 5 prime UTR variant (1), non-coding transcript variant (2).
Genome position (GRCh38, 1-based): chr15:72,709,724, A deleted; the last of 2 consecutive A bases (chr15:72,709,723-72,709,724); deleting either gives the same sequence. VCF-style (leftmost placement, unchanged base first): chr15-72709722-GA-G. GRCh37 (hg19) VCF-style: chr15-73002063-GA-G.
Other names: c.-421del (NM_001252678.2); c.101del, p.Lys34fs (NM_001320665.2); c.101delA (NM_033028.4); short protein forms K34fs.
Identifiers: ClinVar variation 2680045 (VCV002680045.2), dbSNP rs2065331078, ClinGen allele CA2186891022.